The following is an entry in ClinVar:

ClinVar aggregate classification (germline): Conflicting classifications of pathogenicity. Review status: criteria provided, conflicting classifications (1 of 4 stars). 3 submissions from 3 submitters: Likely pathogenic (1); Uncertain significance (2). Last evaluated 2025-09-22.

Allele frequency attached by ClinVar (database versions not stated): gnomAD exomes below 0.00001; TOPMed below 0.00001; ExAC 0.00001; gnomAD 0.00001.
gnomAD v4.1: 8 of 1,614,088 alleles (0.0005%); highest among the groups gnomAD compares: African/African-American, 0.008%; no homozygotes.

Submissions (3):

Women's Health and Genetics/Laboratory Corporation of America, LabCorp
Classification: Uncertain significance. Last evaluated: 2025-09-22. Review status: criteria provided, single submitter. Criteria: LabCorp Variant Classification Summary - May 2015. Collection method: clinical testing. Allele origin: germline.
Comment: Variant summary: ABCA4 c.3218C>T (p.Ala1073Val) results in a non-conservative amino acid change located in the ABC transporter-like, ATP-binding domain (IPR003439) of the encoded protein sequence. Algorithms developed to predict the effect of missense changes on protein structure and function all suggest that this variant is likely to be disruptive. The variant allele was found at a frequency of 4e-06 in 251470 control chromosomes. The available data on variant occurrences in the general population are insufficient to allow any conclusion about variant significance. c.3218C>T has been observed in an individual affected with Retinitis Pigmentosa (Labcorp Genetics (formerly Invitae)). These data do not allow any conclusion about variant significance. To our knowledge, no experimental evidence demonstrating an impact on protein function has been reported. ClinVar contains an entry for this variant (Variation ID: 1502984). Based on the evidence outlined above, the variant was classified as uncertain significance.

Labcorp Genetics (formerly Invitae), Labcorp
Classification: Likely pathogenic. Last evaluated: 2025-07-31. Review status: criteria provided, single submitter. Criteria: Invitae Variant Classification Sherloc (09022015). Collection method: clinical testing. Allele origin: germline.
Comment: This sequence change replaces alanine, which is neutral and non-polar, with valine, which is neutral and non-polar, at codon 1073 of the ABCA4 protein (p.Ala1073Val). This variant is present in population databases (rs754788289, gnomAD 0.007%). This missense change has been observed in individual(s) with clinical features of Stargardt disease (internal data). ClinVar contains an entry for this variant (Variation ID: 1502984). Invitae Evidence Modeling of protein sequence and biophysical properties (such as structural, functional, and spatial information, amino acid conservation, physicochemical variation, residue mobility, and thermodynamic stability) indicates that this missense variant is expected to disrupt ABCA4 protein function with a positive predictive value of 95%. In summary, the currently available evidence indicates that the variant is pathogenic, but additional data are needed to prove that conclusively. Therefore, this variant has been classified as Likely Pathogenic.

Blueprint Genetics
Classification: Uncertain significance. Last evaluated: 2024-01-12. Review status: criteria provided, single submitter. Criteria: ACMG Guidelines, 2015. Collection method: clinical testing. Allele origin: germline.

NM_000350.3(ABCA4):c.3218C>T (p.Ala1073Val)

Gene: ABCA4 (ATP binding cassette subfamily A member 4; minus strand). Cytogenetic location: 1p22.1.
Variant type: single nucleotide variant.
Coding change: c.3218C>T on transcript NM_000350.3 (MANE Select); coding-DNA position 3218, C replaced by T.
Protein change: p.Ala1073Val; replaces alanine 1073 with valine.
Molecular consequence: missense variant.
Genome position (GRCh38, 1-based): chr1:94,042,871, G>A on the plus strand (C>T on the coding strand, the complement: ABCA4 is on the minus strand). VCF-style: chr1-94042871-G-A. GRCh37 (hg19) VCF-style: chr1-94508427-G-A.
Other names: c.2996C>T, p.Ala999Val (NM_001425324.1); short protein forms A1073V, A999V.
Identifiers: ClinVar variation 1502984 (VCV001502984.10), dbSNP rs754788289, ClinGen allele CA958002.